The following is an entry in ClinVar:

ClinVar aggregate classification (germline): Likely benign. Review status: criteria provided, multiple submitters, no conflicts (2 of 4 stars). 4 submissions from 4 submitters: Likely benign (2). 2 of the submissions do not count toward it. Last evaluated 2025-05-05.

Conditions:
PEX7-related disorder. Also called: PEX7-related condition; PEX7-related disorders. Identifiers: MedGen CN239409.
Rhizomelic chondrodysplasia punctata (RCDP). Identifiers: Orphanet 177, MedGen C0282529, MONDO:0015776. Disease mechanism: loss of function.
Peroxisome biogenesis disorder 9B. Also called: PEX7-Related Refsum Disease; Refsum disease, adult, 2; PEROXISOME BIOGENESIS DISORDER, PEX7-RELATED, ATYPICAL. Identifiers: Orphanet 773, MedGen C2749346, MONDO:0013945, OMIM 614879.

Allele frequency attached by ClinVar (database versions not stated): gnomAD 0.00001; gnomAD exomes 0.00001 and 0.00002; ExAC 0.00002.
gnomAD v4.1: 31 of 1,613,902 alleles (0.0019%); highest among the groups gnomAD compares: African/African-American, 0.0027%; no homozygotes.

Submissions (4):

Labcorp Genetics (formerly Invitae), Labcorp
Classification: Likely benign for Peroxisome biogenesis disorder 9B. Last evaluated: 2025-05-05. Review status: criteria provided, single submitter. Criteria: Invitae Variant Classification Sherloc (09022015). Collection method: clinical testing. Allele origin: germline.

Blueprint Genetics
Classification: Likely benign. Last evaluated: 2022-02-02. Review status: criteria provided, single submitter. Criteria: ACMG Guidelines, 2015. Collection method: clinical testing. Allele origin: germline.

PreventionGenetics, part of Exact Sciences
Classification: Likely benign for PEX7-related condition. Last evaluated: 2024-01-31. Review status: no assertion criteria provided. Collection method: clinical testing. Allele origin: germline. Not counted in ClinVar's aggregate classification.
Comment: This variant is classified as likely benign based on ACMG/AMP sequence variant interpretation guidelines (Richards et al. 2015 PMID: 25741868, with internal and published modifications).

Natera, Inc.
Classification: Likely benign for Rhizomelic Chondrodysplasia Punctata. Last evaluated: 2021-09-18. Review status: no assertion criteria provided. Collection method: clinical testing. Allele origin: germline. Not counted in ClinVar's aggregate classification.

NM_000288.4(PEX7):c.297A>G (p.Lys99=)

Gene: PEX7 (peroxisomal biogenesis factor 7; plus strand). Cytogenetic location: 6q23.3.
Variant type: single nucleotide variant.
Coding change: c.297A>G on transcript NM_000288.4 (MANE Select); coding-DNA position 297, A replaced by G.
Protein change: p.Lys99=; no amino-acid change (lysine 99 retained).
Molecular consequence: synonymous variant.
Genome position (GRCh38, 1-based): chr6:136,826,427, A>G. VCF-style: chr6-136826427-A-G. GRCh37 (hg19) VCF-style: chr6-137147565-A-G.
Other names: c.297A>G (NM_000288.3).
Identifiers: ClinVar variation 1135765 (VCV001135765.13), dbSNP rs766858149, ClinGen allele CA4017546.
Genomic context (GRCh38, chr6:136,826,427, plus strand): 5'-CGAACATGTCCTCATCACCTGTAGTGGCGATGGCTCGCTGCAGCTCTGGGACACTGCCAA[A>G]GCTGCAGGGCCACTGCAAGTCTATAAAGAACACGCTCAGGAGGTAGGAGGGAAATCTTTC-3'
Protein context (NP_000279.1, residues 89-109): DGSLQLWDTA[Lys99=]AAGPLQVYKE